The following is an entry in ClinVar:

ClinVar aggregate classification (germline): Uncertain significance. Review status: criteria provided, multiple submitters, no conflicts (2 of 4 stars). 2 submissions from 2 submitters: Uncertain significance (2). Last evaluated 2025-09-12.

Conditions:
Malignant hyperthermia, susceptibility to, 5 (MHS5). Also called: CACNA1S-Related Malignant Hyperthermia Susceptibility. Identifiers: Orphanet 423, MedGen C1866077, MONDO:0011163, OMIM 601887.
Hypokalemic periodic paralysis, type 1. Also called: Hypokalemic Periodic Paralysis Type 1 (AD); HypoPP. Identifiers: Orphanet 681, MedGen C3714580, MONDO:0042979, OMIM 170400.

gnomAD v4.1: 3 of 1,614,062 alleles (0.00019%); highest among the groups gnomAD compares: Admixed American, 0.0033%; no homozygotes.

Submissions (2):

Labcorp Genetics (formerly Invitae), Labcorp
Classification: Uncertain significance for Hypokalemic periodic paralysis, type 1; Malignant hyperthermia, susceptibility to, 5. Last evaluated: 2025-09-12. Review status: criteria provided, single submitter. Criteria: Invitae Variant Classification Sherloc (09022015). Collection method: clinical testing. Allele origin: germline.
Comment: This sequence change replaces aspartic acid, which is acidic and polar, with tyrosine, which is neutral and polar, at codon 78 of the CACNA1S protein (p.Asp78Tyr). This variant is not present in population databases (gnomAD no frequency). This variant has not been reported in the literature in individuals affected with CACNA1S-related conditions. Invitae Evidence Modeling of protein sequence and biophysical properties (such as structural, functional, and spatial information, amino acid conservation, physicochemical variation, residue mobility, and thermodynamic stability) has been performed for this missense variant. However, the output from this modeling did not meet the statistical confidence thresholds required to predict the impact of this variant on CACNA1S protein function. In summary, the available evidence is currently insufficient to determine the role of this variant in disease. Therefore, it has been classified as a Variant of Uncertain Significance.

Color Diagnostics, LLC DBA Color Health
Classification: Uncertain significance for Malignant hyperthermia, susceptibility to, 5. Last evaluated: 2025-05-28. Review status: criteria provided, single submitter. Criteria: ACMG Guidelines, 2015. Collection method: clinical testing. Allele origin: germline.
Comment: This missense variant replaces aspartic acid with tyrosine at codon 78 of the CACNA1S protein. Computational prediction suggests that this variant may have deleterious impact on protein structure and function. To our knowledge, functional studies have not been reported for this variant. This variant has not been reported in individuals affected with CACNA1S-related disorders in the literature. This variant has not been identified in the general population by the Genome Aggregation Database (gnomAD). The available evidence is insufficient to determine the role of this variant in disease conclusively. Therefore, this variant is classified as a Variant of Uncertain Significance.

NM_000069.3(CACNA1S):c.232G>T (p.Asp78Tyr)

Gene: CACNA1S (calcium voltage-gated channel subunit alpha1 S; minus strand). Cytogenetic location: 1q32.1.
Variant type: single nucleotide variant.
Coding change: c.232G>T on transcript NM_000069.3 (MANE Select); coding-DNA position 232, G replaced by T.
Protein change: p.Asp78Tyr; replaces aspartic acid 78 with tyrosine.
Molecular consequence: missense variant.
Genome position (GRCh38, 1-based): chr1:201,110,190, C>A on the plus strand (G>T on the coding strand, the complement: CACNA1S is on the minus strand). VCF-style: chr1-201110190-C-A. GRCh37 (hg19) VCF-style: chr1-201079318-C-A.
Other names: short protein forms D78Y.
Identifiers: ClinVar variation 4758346 (VCV004758346.2).